The following is an entry in ClinVar:

Conditions:
Long QT syndrome 5 (LQT5). Identifiers: Orphanet 101016, Orphanet 768, MedGen C1867904, MONDO:0013372, OMIM 613695.

Submission:

Roden Lab, Vanderbilt University Medical Center
No classification provided (evidence only). Condition: Long QT syndrome 5. Review status: no classification provided. Collection method: in vitro. Allele origin: not applicable. Functional consequence: Effect on ion channel function.
ClinVar note: "not provided" was previously submitted as the classification for the variant. However, the classification appeared to be based only on an observation of functional data so it was converted to no classification on 2025-07-30.

NM_000219.6(KCNE1):c.125T>C (p.Leu42Pro)

Gene: KCNE1 (potassium voltage-gated channel subfamily E regulatory subunit 1; minus strand). Cytogenetic location: 21q22.12.
Variant type: single nucleotide variant.
Coding change: c.125T>C on transcript NM_000219.6 (MANE Select); coding-DNA position 125, T replaced by C.
Protein change: p.Leu42Pro; replaces leucine 42 with proline.
Molecular consequence: missense variant.
Genome position (GRCh38, 1-based): chr21:34,449,510, A>G on the plus strand (T>C on the coding strand, the complement: KCNE1 is on the minus strand). VCF-style: chr21-34449510-A-G. GRCh37 (hg19) VCF-style: chr21-35821808-A-G.
Other names: c.125T>C, p.Leu42Pro (NM_001127668.4, NM_001127669.4, NM_001127670.4 and 4 more transcripts); short protein forms L42P.
Identifiers: ClinVar variation 3374110 (VCV003374110.2).